The following is an entry in ClinVar:

ClinVar aggregate classification (germline): Pathogenic. Review status: criteria provided, multiple submitters, no conflicts (2 of 4 stars). 2 submissions from 2 submitters: Pathogenic (2). Last evaluated 2026-09-08.

Conditions:
Fabry disease. Also called: Fabry's disease; Angiokeratoma corporis diffusum; GLA DEFICIENCY; HEREDITARY DYSTOPIC LIPIDOSIS; ALPHA-GALACTOSIDASE A DEFICIENCY; ANDERSON-FABRY DISEASE. Identifiers: Orphanet 324, MedGen C0002986, MONDO:0010526, OMIM 301500, HP:0001071. Disease mechanism: loss of function, Fabry disease is due to inactivating mutations in the X-linked GLA gene resulting in deficiency of the enzyme Alpha Galactosidase-A..

Submissions (2):

Genomenon, Inc
Classification: Pathogenic for Fabry disease. Last evaluated: 2026-09-08. Review status: criteria provided, single submitter. Criteria: Genomenon Sequence Variant Interpretation Standards - Updated. Collection method: curation. Allele origin: germline. Affected: yes.
Comment: GLA c.547+3A>G is an intronic variant located in the donor splice region of intron 3. This variant has been observed in at least one proband with clinical features consistent with Fabry disease (PMID:27225851;32418857;39225306;39336803). The variant was found to segregate with disease in at least one affected family (PMID:39336803). Functional or patient cell studies have been reported (PMID:27225851;32418857;39336803;39225306). At least one splicing study has demonstrated that this variant results in aberrant splicing (PMID:37254000). It is absent or not present at a significant frequency in gnomAD. In conclusion, we classify GLA c.547+3A>G as a pathogenic variant.

Labcorp Genetics (formerly Invitae), Labcorp
Classification: Pathogenic for Fabry disease. Last evaluated: 2025-04-07. Review status: criteria provided, single submitter. Criteria: Invitae Variant Classification Sherloc (09022015). Collection method: clinical testing. Allele origin: germline.
Comment: This sequence change falls in intron 3 of the GLA gene. It does not directly change the encoded amino acid sequence of the GLA protein. It affects a nucleotide within the consensus splice site. This variant is not present in population databases (gnomAD no frequency). This variant has been observed in individual(s) with Fabry disease (PMID: 27225851, 37254000). ClinVar contains an entry for this variant (Variation ID: 1059587). Variants that disrupt the consensus splice site are a relatively common cause of aberrant splicing (PMID: 17576681, 9536098). Studies have shown that this variant is associated with altered splicing resulting in partial deletion of exon 3 (PMID: 37254000). For these reasons, this variant has been classified as Pathogenic.

Literature cited by the submitters: PubMed 27225851 (cited by Genomenon, Inc and Labcorp Genetics (formerly Invitae), Labcorp); PubMed 32418857 (cited by Genomenon, Inc); PubMed 39225306 (cited by Genomenon, Inc); PubMed 39336803 (cited by Genomenon, Inc); PubMed 37254000 (cited by Genomenon, Inc and Labcorp Genetics (formerly Invitae), Labcorp); PubMed 17576681 (cited by Labcorp Genetics (formerly Invitae), Labcorp); PubMed 9536098 (cited by Labcorp Genetics (formerly Invitae), Labcorp).

NM_000169.3(GLA):c.547+3A>G

Genes: GLA (galactosidase alpha; minus strand), RPL36A-HNRNPH2 (RPL36A-HNRNPH2 readthrough; plus strand). Cytogenetic location: Xq22.1.
Variant type: single nucleotide variant.
Coding change: c.547+3A>G on transcript NM_000169.3 (MANE Select); 3 bases into the intron after coding-DNA position 547, A replaced by G.
Molecular consequence: intron variant. On other transcripts: missense variant (1).
Genome position (GRCh38, 1-based): chrX:101,401,629, T>C on the plus strand (A>G on the coding strand, the complement: GLA is on the minus strand). VCF-style: chrX-101401629-T-C. GRCh37 (hg19) VCF-style: chrX-100656617-T-C.
Other names: c.673A>G, p.Asn225Asp (NM_001406749.1); c.300+6172T>C (NM_001199973.2); c.177+9807T>C (NM_001199974.2); c.670+3A>G (NM_001406747.1); c.547+3A>G (NM_001406748.1); short protein forms N225D.
Identifiers: ClinVar variation 1059587 (VCV001059587.11), dbSNP rs1351477965, ClinGen allele CA2499226276.
Genomic context (GRCh38, chrX:101,401,629, plus strand): 5'-GCTCAGCTACCATGGCCTCAAAGTTCTTTCCTTTGTGGCTAAATCTCTGGAATGAAACAT[T>C]ACCATCTGCCAAATTTTCCAAACTGTCACAGTAACAACCATCAAATTTTAGCAGATCTAC-3'